The following is an entry in ClinVar:

NM_144997.7(FLCN):c.47C>A (p.Pro16His)

Gene: FLCN (folliculin; minus strand). Cytogenetic location: 17p11.2.
Variant type: single nucleotide variant.
Coding change: c.47C>A on transcript NM_144997.7 (MANE Select); coding-DNA position 47, C replaced by A.
Protein change: p.Pro16His; replaces proline 16 with histidine.
Molecular consequence: missense variant.
Genome position (GRCh38, 1-based): chr17:17,228,091, G>T on the plus strand (C>A on the coding strand, the complement: FLCN is on the minus strand). VCF-style: chr17-17228091-G-T. GRCh37 (hg19) VCF-style: chr17-17131405-G-T.
Other names: c.47C>A, p.Pro16His (NM_001353229.2, NM_001353230.2, NM_001353231.2 and 1 more transcripts); short protein forms P16H.
Identifiers: ClinVar variation 1743175 (VCV001743175.2), dbSNP rs1597618496, ClinGen allele CA398535435.

ClinVar aggregate classification (germline): Uncertain significance (1 of 4 stars; one submission).

Conditions:
Hereditary cancer-predisposing syndrome. Also called: Hereditary Cancer Syndrome; Neoplastic Syndromes, Hereditary; Tumor predisposition; Hereditary neoplastic syndrome. Identifiers: Orphanet 140162, MedGen C0027672, MeSH D009386, MONDO:0015356.

Submission:

Ambry Genetics
Classification: Uncertain significance for Hereditary cancer-predisposing syndrome. Last evaluated: 2022-03-04. Review status: criteria provided, single submitter. Criteria: Ambry Variant Classification Scheme 2023. Collection method: clinical testing. Allele origin: germline.
Comment: The p.P16H variant (also known as c.47C>A), located in coding exon 1 of the FLCN gene, results from a C to A substitution at nucleotide position 47. The proline at codon 16 is replaced by histidine, an amino acid with similar properties. This amino acid position is conserved. In addition, this alteration is predicted to be deleterious by in silico analysis. Since supporting evidence is limited at this time, the clinical significance of this alteration remains unclear.